The following is an entry in ClinVar:

NM_201525.4(ADGRG1):c.285C>T (p.Asn95=)

Gene: ADGRG1 (adhesion G protein-coupled receptor G1; plus strand). Cytogenetic location: 16q21.
Variant type: single nucleotide variant.
Coding change: c.285C>T on transcript NM_201525.4 (MANE Select); coding-DNA position 285, C replaced by T.
Protein change: p.Asn95=; no amino-acid change (asparagine 95 retained).
Molecular consequence: synonymous variant. On other transcripts: 5 prime UTR variant (5), intron variant (1).
Genome position (GRCh38, 1-based): chr16:57,651,420, C>T. VCF-style: chr16-57651420-C-T. GRCh37 (hg19) VCF-style: chr16-57685332-C-T.
Other names: c.285C>T, p.Asn95= (NM_001145770.3, NM_001145771.3, NM_001145772.3 and 16 more transcripts); c.300C>T, p.Asn100= (NM_001145773.3, NM_001370433.1); c.-241C>T (NM_001290143.2, NM_001290144.2, NM_001370451.1 and 2 more transcripts); c.129C>T, p.Asn43= (NM_001370442.1); c.110+175C>T (NM_001290142.2); c.285C>T (NM_005682.6).
Identifiers: ClinVar variation 1610789 (VCV001610789.9), dbSNP rs760775404, ClinGen allele CA8078331.

ClinVar aggregate classification (germline): Likely benign. Review status: criteria provided, single submitter (1 of 4 stars). 2 submissions from 2 submitters: Likely benign (1). 1 of the submissions does not count toward it. Last evaluated 2024-02-14.

Conditions:
ADGRG1-related disorder. Also called: ADGRG1-related condition.

Allele frequency attached by ClinVar (database versions not stated): gnomAD exomes below 0.00001 and 0.00001; gnomAD 0.00001; TOPMed 0.00001; ExAC 0.00002.
gnomAD v4.1: 3 of 1,614,090 alleles (0.00019%); highest among the groups gnomAD compares: Non-Finnish European, 0.00025%; no homozygotes.

Submissions (2):

Labcorp Genetics (formerly Invitae), Labcorp
Classification: Likely benign. Last evaluated: 2024-02-14. Review status: criteria provided, single submitter. Criteria: Invitae Variant Classification Sherloc (09022015). Collection method: clinical testing. Allele origin: germline.

PreventionGenetics, part of Exact Sciences
Classification: Likely benign for ADGRG1-related condition. Last evaluated: 2024-08-27. Review status: no assertion criteria provided. Collection method: clinical testing. Allele origin: germline. Not counted in ClinVar's aggregate classification.
Comment: This variant is classified as likely benign based on ACMG/AMP sequence variant interpretation guidelines (Richards et al. 2015 PMID: 25741868, with internal and published modifications).